The following is an entry in ClinVar:

ClinVar aggregate classification (germline): Pathogenic (1 of 4 stars; one submission).

Submission:

GeneDx
Classification: Pathogenic. Last evaluated: 2015-06-10. Review status: criteria provided, single submitter. Criteria: GeneDx Variant Classification (06012015). Collection method: clinical testing. Allele origin: germline. Affected: yes.
Comment: The c.2688 G>C (M896I) variant in the KCNT1 gene has not been reported previously as a pathogenic variant nor as a benign polymorphism, to our knowledge. The c.2688 G>C (M896I) variant wasnot observed in approximately 6500 individuals of European and African American ancestry in the NHLBIExome Sequencing Project, indicating it is not a common benign variant in these populations. The M896Isubstitution is a conservative amino acid substitution, which is not likely to impact secondary protein structureas these residues share similar properties. However, this substitution occurs at a position that is conservedacross species and in silico analysis predicts this variant is probably damaging to the proteinstructure/function. In addition, a different nucleotide change at the same residue (c.2688 G>A; p.M896I)has been reported as a de novo change in an individual with nocturnal frontal lobe epilepsy and psychiatricproblems (Heron et al., 2012), supporting the functional importance of this region of the protein. Weinterpret M896I as a pathogenic variant.

NM_020822.3(KCNT1):c.2688G>C (p.Met896Ile)

Gene: KCNT1 (potassium sodium-activated channel subfamily T member 1; plus strand). Cytogenetic location: 9q34.3.
Variant type: single nucleotide variant.
Coding change: c.2688G>C on transcript NM_020822.3 (MANE Select); coding-DNA position 2688, G replaced by C.
Protein change: p.Met896Ile; replaces methionine 896 with isoleucine.
Molecular consequence: missense variant.
Genome position (GRCh38, 1-based): chr9:135,778,781, G>C. VCF-style: chr9-135778781-G-C. GRCh37 (hg19) VCF-style: chr9-138670627-G-C.
Other names: c.2553G>C, p.Met851Ile (NM_001272003.2); short protein forms M896I, M851I.
Identifiers: ClinVar variation 379933 (VCV000379933.2), dbSNP rs797044544, ClinGen allele CA16605455.